The following is an entry in ClinVar:

ClinVar aggregate classification (germline): Uncertain significance (1 of 4 stars; one submission).

Conditions:
Hyperekplexia 3 (HKPX3). Also called: HYPEREKPLEXIA 3, AUTOSOMAL RECESSIVE; HYPEREKPLEXIA 3, AUTOSOMAL DOMINANT. Identifiers: Orphanet 3197, MedGen C3553288, MONDO:0013827, OMIM 614618.

Allele frequency attached by ClinVar (database versions not stated): ExAC 0.00001; gnomAD 0.00001; gnomAD exomes 0.00001; TOPMed 0.00004.
gnomAD v4.1: 9 of 1,613,780 alleles (0.00056%); highest among the groups gnomAD compares: Admixed American, 0.005%; no homozygotes.

Submission:

Labcorp Genetics (formerly Invitae), Labcorp
Classification: Uncertain significance for Hyperekplexia 3. Last evaluated: 2022-09-07. Review status: criteria provided, single submitter. Criteria: Invitae Variant Classification Sherloc (09022015). Collection method: clinical testing. Allele origin: germline.
Comment: This sequence change replaces asparagine, which is neutral and polar, with serine, which is neutral and polar, at codon 353 of the SLC6A5 protein (p.Asn353Ser). This variant is present in population databases (rs775370118, gnomAD 0.006%). This variant has not been reported in the literature in individuals affected with SLC6A5-related conditions. ClinVar contains an entry for this variant (Variation ID: 1418615). Advanced modeling of protein sequence and biophysical properties (such as structural, functional, and spatial information, amino acid conservation, physicochemical variation, residue mobility, and thermodynamic stability) performed at Invitae indicates that this missense variant is not expected to disrupt SLC6A5 protein function. Algorithms developed to predict the effect of sequence changes on RNA splicing suggest that this variant may create or strengthen a splice site. In summary, the available evidence is currently insufficient to determine the role of this variant in disease. Therefore, it has been classified as a Variant of Uncertain Significance.

NM_004211.5(SLC6A5):c.1058A>G (p.Asn353Ser)

Gene: SLC6A5 (solute carrier family 6 member 5; plus strand). Cytogenetic location: 11p15.1.
Variant type: single nucleotide variant.
Coding change: c.1058A>G on transcript NM_004211.5 (MANE Select); coding-DNA position 1058, A replaced by G.
Protein change: p.Asn353Ser; replaces asparagine 353 with serine.
Molecular consequence: missense variant.
Genome position (GRCh38, 1-based): chr11:20,614,751, A>G. VCF-style: chr11-20614751-A-G. GRCh37 (hg19) VCF-style: chr11-20636297-A-G.
Other names: c.356A>G, p.Asn119Ser (NM_001318369.2); short protein forms N119S, N353S.
Identifiers: ClinVar variation 1418615 (VCV001418615.3), dbSNP rs775370118, ClinGen allele CA5921300.